The following is an entry in ClinVar:

ClinVar aggregate classification (germline): Uncertain significance. Review status: criteria provided, multiple submitters, no conflicts (2 of 4 stars). 3 submissions from 3 submitters: Uncertain significance (3). Last evaluated 2023-06-06.

Conditions:
Inborn genetic diseases. Identifiers: MedGen C0950123, MeSH D030342.

Allele frequency attached by ClinVar (database versions not stated): gnomAD exomes below 0.00001; TOPMed 0.00002; gnomAD 0.00003 and 0.00004.
gnomAD v4.1: 9 of 1,612,642 alleles (0.00056%); highest among the groups gnomAD compares: Non-Finnish European, 0.00076%; no homozygotes.

Submissions (3):

Ambry Genetics
Classification: Uncertain significance for Inborn genetic diseases. Last evaluated: 2023-06-06. Review status: criteria provided, single submitter. Criteria: Ambry Variant Classification Scheme 2023. Collection method: clinical testing. Allele origin: germline.

Labcorp Genetics (formerly Invitae), Labcorp
Classification: Uncertain significance. Last evaluated: 2022-03-28. Review status: criteria provided, single submitter. Criteria: Invitae Variant Classification Sherloc (09022015). Collection method: clinical testing. Allele origin: germline.
Comment: Algorithms developed to predict the effect of missense changes on protein structure and function are either unavailable or do not agree on the potential impact of this missense change (SIFT: "Deleterious"; PolyPhen-2: "Probably Damaging"; Align-GVGD: "Class C0"). ClinVar contains an entry for this variant (Variation ID: 866122). This variant has not been reported in the literature in individuals affected with IMPDH1-related conditions. This variant is not present in population databases (gnomAD no frequency). This sequence change replaces valine, which is neutral and non-polar, with methionine, which is neutral and non-polar, at codon 212 of the IMPDH1 protein (p.Val212Met). In summary, the available evidence is currently insufficient to determine the role of this variant in disease. Therefore, it has been classified as a Variant of Uncertain Significance.

Blueprint Genetics
Classification: Uncertain significance. Last evaluated: 2018-04-27. Review status: criteria provided, single submitter. Criteria: ACMG Guidelines, 2015. Collection method: clinical testing. Allele origin: germline.

NM_000883.4(IMPDH1):c.634G>A (p.Val212Met)

Gene: IMPDH1 (inosine monophosphate dehydrogenase 1; minus strand). Cytogenetic location: 7q32.1.
Variant type: single nucleotide variant.
Coding change: c.634G>A on transcript NM_000883.4 (MANE Select); coding-DNA position 634, G replaced by A.
Protein change: p.Val212Met; replaces valine 212 with methionine.
Molecular consequence: missense variant.
Genome position (GRCh38, 1-based): chr7:128,400,485, C>T on the plus strand (G>A on the coding strand, the complement: IMPDH1 is on the minus strand). VCF-style: chr7-128400485-C-T. GRCh37 (hg19) VCF-style: chr7-128040539-C-T.
Other names: c.604G>A, p.Val202Met (NM_001102605.2); c.379G>A, p.Val127Met (NM_001142573.2); c.364G>A, p.Val122Met (NM_001142574.2); c.304G>A, p.Val102Met (NM_001142575.2); c.535G>A, p.Val179Met (NM_001142576.2); c.427G>A, p.Val143Met (NM_001304521.2); c.526G>A, p.Val176Met (NM_183243.3); short protein forms V122M, V127M, V202M, V102M, V143M, V179M, V212M, V176M.
Identifiers: ClinVar variation 866122 (VCV000866122.9), dbSNP rs1482492681, ClinGen allele CA369173817.